The following is an entry in ClinVar:

ClinVar aggregate classification (germline): Likely benign. Review status: criteria provided, multiple submitters, no conflicts (2 of 4 stars). 4 submissions from 4 submitters: Likely benign (3). 1 of the submissions does not count toward it. Last evaluated 2024-11-06.

Conditions:
KDM5B-related disorder. Also called: KDM5B-related condition.

Allele frequency attached by ClinVar (database versions not stated): 1000 Genomes Project 30x 0.00016; 1000 Genomes Project 0.00020; ESP Exome Variant Server 0.00038; TOPMed 0.00058; gnomAD exomes 0.00059 and 0.00094; ExAC 0.00064; gnomAD 0.00066 and 0.00070.
gnomAD v4.1: 1,434 of 1,601,454 alleles (0.09%); highest among the groups gnomAD compares: Non-Finnish European, 0.12%; 2 homozygotes.

Submissions (4):

Blueprint Genetics
Classification: Likely benign. Last evaluated: 2024-11-06. Review status: criteria provided, single submitter. Criteria: ACMG Guidelines, 2015. Collection method: clinical testing. Allele origin: germline.

CeGaT Center for Human Genetics Tuebingen
Classification: Likely benign. Last evaluated: 2024-05-01. Review status: criteria provided, single submitter. Criteria: CeGaT Center For Human Genetics Tuebingen Variant Classification Criteria Version 2. Collection method: clinical testing. Allele origin: germline. Affected: yes. Observed: 4 variant alleles.
Comment: KDM5B: BP4, BP7

Labcorp Genetics (formerly Invitae), Labcorp
Classification: Likely benign. Last evaluated: 2018-07-06. Review status: criteria provided, single submitter. Criteria: Invitae Variant Classification Sherloc (09022015). Collection method: clinical testing. Allele origin: germline.

PreventionGenetics, part of Exact Sciences
Classification: Likely benign for KDM5B-related condition. Last evaluated: 2024-02-13. Review status: no assertion criteria provided. Collection method: clinical testing. Allele origin: germline. Not counted in ClinVar's aggregate classification.
Comment: This variant is classified as likely benign based on ACMG/AMP sequence variant interpretation guidelines (Richards et al. 2015 PMID: 25741868, with internal and published modifications).

NM_006618.5(KDM5B):c.4017C>T (p.Leu1339=)

Gene: KDM5B (lysine demethylase 5B; minus strand). Cytogenetic location: 1q32.1.
Variant type: single nucleotide variant.
Coding change: c.4017C>T on transcript NM_006618.5 (MANE Select); coding-DNA position 4017, C replaced by T.
Protein change: p.Leu1339=; no amino-acid change (leucine 1339 retained).
Molecular consequence: synonymous variant.
Genome position (GRCh38, 1-based): chr1:202,731,832, G>A on the plus strand (C>T on the coding strand, the complement: KDM5B is on the minus strand). VCF-style: chr1-202731832-G-A. GRCh37 (hg19) VCF-style: chr1-202700960-G-A.
Other names: c.4125C>T, p.Leu1375= (NM_001314042.2); c.3882C>T, p.Leu1294= (NM_001347591.2); c.4002C>T, p.Leu1334= (NM_001399817.1).
Identifiers: ClinVar variation 748206 (VCV000748206.34), dbSNP rs142375256, ClinGen allele CA1334060.